The following is an entry in ClinVar:

ClinVar aggregate classification (germline): Likely pathogenic (1 of 4 stars; one submission).

Conditions:
Dilated cardiomyopathy 1DD (CMD1DD). Identifiers: Orphanet 154, MedGen C2750995, MONDO:0013168, OMIM 613172.

Submission:

Labcorp Genetics (formerly Invitae), Labcorp
Classification: Likely pathogenic for Dilated cardiomyopathy 1DD. Last evaluated: 2022-04-12. Review status: criteria provided, single submitter. Criteria: Invitae Variant Classification Sherloc (09022015). Collection method: clinical testing. Allele origin: germline.
Comment: In summary, the currently available evidence indicates that the variant is pathogenic, but additional data are needed to prove that conclusively. Therefore, this variant has been classified as Likely Pathogenic. This variant disrupts the p.Glu913 amino acid residue in RBM20. Other variant(s) that disrupt this residue have been determined to be pathogenic (PMID: 24503780, 27496873; Invitae). This suggests that this residue is clinically significant, and that variants that disrupt this residue are likely to be disease-causing. Advanced modeling of protein sequence and biophysical properties (such as structural, functional, and spatial information, amino acid conservation, physicochemical variation, residue mobility, and thermodynamic stability) performed at Invitae indicates that this missense variant is expected to disrupt RBM20 protein function. This variant has not been reported in the literature in individuals affected with RBM20-related conditions. This variant is not present in population databases (gnomAD no frequency). This sequence change replaces glutamic acid, which is acidic and polar, with valine, which is neutral and non-polar, at codon 913 of the RBM20 protein (p.Glu913Val).

Literature cited by the submitters: PubMed 24503780; PubMed 27496873.

NM_001134363.3(RBM20):c.2738A>T (p.Glu913Val)

Gene: RBM20 (RNA binding motif protein 20; plus strand). Cytogenetic location: 10q25.2.
Variant type: single nucleotide variant.
Coding change: c.2738A>T on transcript NM_001134363.3 (MANE Select); coding-DNA position 2738, A replaced by T.
Protein change: p.Glu913Val; replaces glutamic acid 913 with valine.
Molecular consequence: missense variant.
Genome position (GRCh38, 1-based): chr10:110,821,357, A>T. VCF-style: chr10-110821357-A-T. GRCh37 (hg19) VCF-style: chr10-112581115-A-T.
Other names: short protein forms E913V.
Identifiers: ClinVar variation 2125396 (VCV002125396.4), dbSNP rs2493493297, ClinGen allele CA378377383.